The following is an entry in ClinVar:

NM_000051.4(ATM):c.2840dup (p.Tyr947Ter)

Gene: ATM (ATM serine/threonine kinase; plus strand). Cytogenetic location: 11q22.3.
Variant type: Duplication.
Coding change: c.2840dup on transcript NM_000051.4 (MANE Select); coding-DNA position 2840, one base duplicated (A; older notation c.2840dupA).
Protein change: p.Tyr947Ter; replaces tyrosine 947 with a stop codon.
Molecular consequence: nonsense.
Genome position (GRCh38, 1-based): chr11:108,271,065, A duplicated. VCF-style (leftmost placement, unchanged base first): chr11-108271064-T-TA. GRCh37 (hg19) VCF-style: chr11-108141791-T-TA.
Other names: c.2840dupA (NM_000051.4); c.2840dup, p.Tyr947Ter (NM_001351834.2); short protein forms Y947*.
Identifiers: ClinVar variation 1076780 (VCV001076780.3), dbSNP rs1308599194, ClinGen allele CA602132593.

ClinVar aggregate classification (germline): Pathogenic. Review status: criteria provided, multiple submitters, no conflicts (2 of 4 stars). 2 submissions from 2 submitters: Pathogenic (2). Last evaluated 2025-10-06.

Conditions:
Malignant tumor of breast. Also called: Malignant breast neoplasm; Cancer breast. Identifiers: MedGen C0006142, MONDO:0007254. Disease mechanism: loss of function.
Ataxia-telangiectasia syndrome (AT). Also called: Cerebello-oculocutaneous telangiectasia; Immunodeficiency with ataxia telangiectasia; ATAXIA-TELANGIECTASIA, FRESNO VARIANT; Ataxia-telangiectasia, complementation group D; Ataxia telangiectasia (A-T); LOUIS-BAR SYNDROME. Identifiers: Orphanet 100, MedGen C0004135, MONDO:0008840, OMIM 208900.

Allele frequency attached by ClinVar (database versions not stated): gnomAD exomes below 0.00001; TOPMed 0.00001.

Submissions (2):

Women's Health and Genetics/Laboratory Corporation of America, LabCorp
Classification: Pathogenic for Malignant tumor of breast. Last evaluated: 2025-10-06. Review status: criteria provided, single submitter. Criteria: LabCorp Variant Classification Summary - May 2015. Collection method: clinical testing. Allele origin: germline.
Comment: Variant summary: ATM c.2840dupA (p.Tyr947X) results in a premature termination codon, predicted to cause absence of the protein due to nonsense mediated decay, which is a commonly known mechanism for disease. The variant allele was found at a frequency of 4e-06 in 251342 control chromosomes (gnomAD). To our knowledge, no occurrence of c.2840dupA in individuals affected with ATM-related conditions and no experimental evidence demonstrating its impact on protein function have been reported. ClinVar contains an entry for this variant (Variation ID: 1076780). Based on the evidence outlined above, the variant was classified as pathogenic.

Labcorp Genetics (formerly Invitae), Labcorp
Classification: Pathogenic for Ataxia-telangiectasia syndrome. Last evaluated: 2021-11-23. Review status: criteria provided, single submitter. Criteria: Invitae Variant Classification Sherloc (09022015). Collection method: clinical testing. Allele origin: germline.
Comment: This sequence change affects an acceptor splice site in intron 18 of the ATM gene. It is expected to disrupt RNA splicing. Variants that disrupt the donor or acceptor splice site typically lead to a loss of protein function (PMID: 16199547), and loss-of-function variants in ATM are known to be pathogenic (PMID: 23807571, 25614872). This variant is present in population databases (no rsID available, gnomAD 0.003%). Disruption of this splice site has been observed in individuals with ataxia-telangiectasia (PMID: 12815592; Invitae). This variant is also known as IVS20-3del3ins7. ClinVar contains an entry for this variant (Variation ID:185405). Algorithms developed to predict the effect of sequence changes on RNA splicing suggest that this variant may disrupt the consensus splice site. For these reasons, this variant has been classified as Pathogenic.

Literature cited by the submitters: PubMed 16199547 (cited by Labcorp Genetics (formerly Invitae), Labcorp); PubMed 23807571 (cited by Labcorp Genetics (formerly Invitae), Labcorp); PubMed 25614872 (cited by Labcorp Genetics (formerly Invitae), Labcorp); PubMed 12815592 (cited by Labcorp Genetics (formerly Invitae), Labcorp).